The following is an entry in ClinVar:

ClinVar aggregate classification (germline): Uncertain significance. Review status: criteria provided, multiple submitters, no conflicts (2 of 4 stars). 2 submissions from 2 submitters: Uncertain significance (2). Last evaluated 2024-11-13.

Conditions:
Inborn genetic diseases. Identifiers: MedGen C0950123, MeSH D030342.
Vici syndrome (VICIS). Identifiers: Orphanet 1493, MedGen C1855772, MONDO:0009452, OMIM 242840.

Allele frequency attached by ClinVar (database versions not stated): gnomAD exomes 0.00001; TOPMed 0.00001; gnomAD 0.00003 and 0.00004.
gnomAD v4.1: 24 of 1,599,522 alleles (0.0015%); highest among the groups gnomAD compares: East Asian, 0.013%; no homozygotes.

Submissions (2):

Ambry Genetics
Classification: Uncertain significance for Inborn genetic diseases. Last evaluated: 2024-11-13. Review status: criteria provided, single submitter. Criteria: Ambry Variant Classification Scheme 2023. Collection method: clinical testing. Allele origin: germline.

Labcorp Genetics (formerly Invitae), Labcorp
Classification: Uncertain significance for Vici syndrome. Last evaluated: 2021-08-14. Review status: criteria provided, single submitter. Criteria: Invitae Variant Classification Sherloc (09022015). Collection method: clinical testing. Allele origin: germline.
Comment: This sequence change replaces tyrosine with cysteine at codon 1422 of the EPG5 protein (p.Tyr1422Cys). The tyrosine residue is highly conserved and there is a large physicochemical difference between tyrosine and cysteine. This variant is not present in population databases (ExAC no frequency). This variant has not been reported in the literature in individuals affected with EPG5-related conditions. Algorithms developed to predict the effect of missense changes on protein structure and function are either unavailable or do not agree on the potential impact of this missense change (SIFT: "Tolerated"; PolyPhen-2: "Probably Damaging"; Align-GVGD: "Class C15"). In summary, the available evidence is currently insufficient to determine the role of this variant in disease. Therefore, it has been classified as a Variant of Uncertain Significance.

NM_020964.3(EPG5):c.4265A>G (p.Tyr1422Cys)

Gene: EPG5 (ectopic P-granules 5 autophagy tethering factor; minus strand). Cytogenetic location: 18q21.1.
Variant type: single nucleotide variant.
Coding change: c.4265A>G on transcript NM_020964.3 (MANE Select); coding-DNA position 4265, A replaced by G.
Protein change: p.Tyr1422Cys; replaces tyrosine 1422 with cysteine.
Molecular consequence: missense variant.
Genome position (GRCh38, 1-based): chr18:45,908,022, T>C on the plus strand (A>G on the coding strand, the complement: EPG5 is on the minus strand). VCF-style: chr18-45908022-T-C. GRCh37 (hg19) VCF-style: chr18-43487987-T-C.
Other names: c.4265A>G (NM_020964.2); short protein forms Y1422C.
Identifiers: ClinVar variation 1404360 (VCV001404360.7), dbSNP rs1020010664, ClinGen allele CA299758080.